The following is an entry in ClinVar:

NM_053274.3(GLMN):c.899T>C (p.Ile300Thr)

Gene: GLMN (glomulin, FKBP associated protein; minus strand). Cytogenetic location: 1p22.1.
Variant type: single nucleotide variant.
Coding change: c.899T>C on transcript NM_053274.3 (MANE Select); coding-DNA position 899, T replaced by C.
Protein change: p.Ile300Thr; replaces isoleucine 300 with threonine.
Molecular consequence: missense variant. On other transcripts: non-coding transcript variant (1).
Genome position (GRCh38, 1-based): chr1:92,271,489, A>G on the plus strand (T>C on the coding strand, the complement: GLMN is on the minus strand). VCF-style: chr1-92271489-A-G. GRCh37 (hg19) VCF-style: chr1-92737046-A-G.
Other names: c.899T>C, p.Ile300Thr (NM_001319683.2); short protein forms I300T.
Identifiers: ClinVar variation 298138 (VCV000298138.8), dbSNP rs34062020, ClinGen allele CA950473.

ClinVar aggregate classification (germline): Benign. Review status: criteria provided, multiple submitters, no conflicts (2 of 4 stars). 3 submissions from 3 submitters: Benign (2). 1 of the submissions does not count toward it. Last evaluated 2018-01-13.

Conditions:
Glomuvenous malformation. Also called: GLOMANGIOMAS, MULTIPLE; GLOMUS TUMORS, MULTIPLE; VENOUS MALFORMATIONS WITH GLOMUS CELLS; Familial glomangioma. Identifiers: Orphanet 83454, MedGen C1841984, MONDO:0007672, OMIM 138000.
GLMN-related disorder. Also called: GLMN-related condition.

Allele frequency attached by ClinVar (database versions not stated): gnomAD exomes 0.00031; ExAC 0.00034; gnomAD 0.00080 and 0.00083; TOPMed 0.00088; 1000 Genomes Project 0.00120; 1000 Genomes Project 30x 0.00125; ESP Exome Variant Server 0.00131.
gnomAD v4.1: 247 of 1,613,008 alleles (0.015%); highest among the groups gnomAD compares: African/African-American, 0.28%; 1 homozygote.

Submissions (3):

Illumina Laboratory Services, Illumina
Classification: Benign for Glomuvenous malformation. Last evaluated: 2018-01-13. Review status: criteria provided, single submitter. Criteria: ICSL Variant Classification Criteria 13 December 2019. Collection method: clinical testing. Allele origin: germline.
Comment: This variant was observed in the ICSL laboratory as part of a predisposition screen in an ostensibly healthy population. It had not been previously curated by ICSL or reported in the Human Gene Mutation Database (HGMD: prior to June 1st, 2018), and was therefore a candidate for classification through an automated scoring system. Utilizing variant allele frequency, disease prevalence and penetrance estimates, and inheritance mode, an automated score was calculated to assess if this variant is too frequent to cause the disease. Based on the score and internal cut-off values, a variant classified as benign is not then subjected to further curation. The score for this variant resulted in a classification of benign for this disease.

Breakthrough Genomics
Classification: Benign. Review status: criteria provided, single submitter. Criteria: ACMG Guidelines, 2015. Collection method: not provided. Allele origin: germline. Inheritance: Autosomal dominant inheritance. Affected: yes.

PreventionGenetics, part of Exact Sciences
Classification: Likely benign for GLMN-related condition. Last evaluated: 2019-08-26. Review status: no assertion criteria provided. Collection method: clinical testing. Allele origin: germline. Not counted in ClinVar's aggregate classification.
Comment: This variant is classified as likely benign based on ACMG/AMP sequence variant interpretation guidelines (Richards et al. 2015 PMID: 25741868, with internal and published modifications).